The following is an entry in ClinVar:

NM_001001557.4(GDF6):c.28G>A (p.Ala10Thr)

Gene: GDF6 (growth differentiation factor 6; minus strand). Cytogenetic location: 8q22.1.
Variant type: single nucleotide variant.
Coding change: c.28G>A on transcript NM_001001557.4 (MANE Select); coding-DNA position 28, G replaced by A.
Protein change: p.Ala10Thr; replaces alanine 10 with threonine.
Molecular consequence: missense variant.
Genome position (GRCh38, 1-based): chr8:96,160,665, C>T on the plus strand (G>A on the coding strand, the complement: GDF6 is on the minus strand). VCF-style: chr8-96160665-C-T. GRCh37 (hg19) VCF-style: chr8-97172893-C-T.
Other names: short protein forms A10T.
Identifiers: ClinVar variation 4792169 (VCV004792169.1).

ClinVar aggregate classification (germline): Uncertain significance (1 of 4 stars; one submission).

Conditions:
Klippel-Feil syndrome 1, autosomal dominant (KFS1). Also called: CERVICAL VERTEBRAL FUSION, AUTOSOMAL DOMINANT. Identifiers: Orphanet 2345, MedGen C1861689, MONDO:0007306, OMIM 118100.
Isolated microphthalmia 4. Identifiers: Orphanet 2542, MedGen C2751307, MONDO:0013130, OMIM 613094.
Leber congenital amaurosis 17 (LCA17). Identifiers: Orphanet 65, MedGen C3715164, MONDO:0014145, OMIM 615360.
Microphthalmia, isolated, with coloboma 6 (MCOPCB6). Also called: Microphthalmia with coloboma 6, digenic; Microphthalmia with coloboma 6; MICROPHTHALMIA/COLOBOMA 6. Identifiers: Orphanet 98938, MedGen C3150968, MONDO:0013376, OMIM 613703.

Submission:

Labcorp Genetics (formerly Invitae), Labcorp
Classification: Uncertain significance for Isolated microphthalmia 4; Leber congenital amaurosis 17; Klippel-Feil syndrome 1, autosomal dominant; Microphthalmia, isolated, with coloboma 6. Last evaluated: 2025-07-16. Review status: criteria provided, single submitter. Criteria: Invitae Variant Classification Sherloc (09022015). Collection method: clinical testing. Allele origin: germline.
Comment: This sequence change replaces alanine, which is neutral and non-polar, with threonine, which is neutral and polar, at codon 10 of the GDF6 protein (p.Ala10Thr). This variant is not present in population databases (gnomAD no frequency). This variant has not been reported in the literature in individuals affected with GDF6-related conditions. An algorithm developed to predict the effect of missense changes on protein structure and function (PolyPhen-2) suggests that this variant is likely to be disruptive. In summary, the available evidence is currently insufficient to determine the role of this variant in disease. Therefore, it has been classified as a Variant of Uncertain Significance.